The following is an entry in ClinVar:

NM_005045.4(RELN):c.10133A>G (p.Gln3378Arg)

Genes: SLC26A5-AS1 (SLC26A5 antisense RNA 1; plus strand), RELN (reelin; minus strand). Cytogenetic location: 7q22.1.
Variant type: single nucleotide variant.
Coding change: c.10133A>G on transcript NM_005045.4 (MANE Select); coding-DNA position 10133, A replaced by G.
Protein change: p.Gln3378Arg; replaces glutamine 3378 with arginine.
Molecular consequence: missense variant.
Genome position (GRCh38, 1-based): chr7:103,483,701, T>C on the plus strand (A>G on the coding strand, the complement: RELN is on the minus strand). VCF-style: chr7-103483701-T-C. GRCh37 (hg19) VCF-style: chr7-103124148-T-C.
Other names: c.10133A>G, p.Gln3378Arg (NM_173054.3); short protein forms Q3378R.
Identifiers: ClinVar variation 4791589 (VCV004791589.1).

ClinVar aggregate classification (germline): Uncertain significance (1 of 4 stars; one submission).

Conditions:
Norman-Roberts syndrome (LIS2). Also called: Lissencephaly 2 (Norman-Roberts type). Identifiers: Orphanet 89844, MedGen C0796089, MONDO:0009760, OMIM 257320.
Familial temporal lobe epilepsy 7. Identifiers: Orphanet 101046, MedGen C4225327, MONDO:0014639, OMIM 616436.

gnomAD v4.1: 5 of 1,614,080 alleles (0.00031%); highest among the groups gnomAD compares: Admixed American, 0.005%; no homozygotes.

Submission:

Labcorp Genetics (formerly Invitae), Labcorp
Classification: Uncertain significance for Familial temporal lobe epilepsy 7; Norman-Roberts syndrome. Last evaluated: 2025-03-05. Review status: criteria provided, single submitter. Criteria: Invitae Variant Classification Sherloc (09022015). Collection method: clinical testing. Allele origin: germline.
Comment: This sequence change replaces glutamine, which is neutral and polar, with arginine, which is basic and polar, at codon 3378 of the RELN protein (p.Gln3378Arg). This variant is present in population databases (rs766722778, gnomAD no frequency). This variant has not been reported in the literature in individuals affected with RELN-related conditions. Invitae Evidence Modeling of protein sequence and biophysical properties (such as structural, functional, and spatial information, amino acid conservation, physicochemical variation, residue mobility, and thermodynamic stability) indicates that this missense variant is not expected to disrupt RELN protein function with a negative predictive value of 80%. In summary, the available evidence is currently insufficient to determine the role of this variant in disease. Therefore, it has been classified as a Variant of Uncertain Significance.